The following is an entry in ClinVar:

ClinVar aggregate classification (germline): Uncertain significance. Review status: criteria provided, multiple submitters, no conflicts (2 of 4 stars). 2 submissions from 2 submitters: Uncertain significance (2). Last evaluated 2024-03-04.

Conditions:
Hereditary cancer-predisposing syndrome. Also called: Hereditary Cancer Syndrome; Tumor predisposition; Hereditary neoplastic syndrome; Neoplastic Syndromes, Hereditary. Identifiers: Orphanet 140162, MedGen C0027672, MeSH D009386, MONDO:0015356.

Submissions (2):

Labcorp Genetics (formerly Invitae), Labcorp
Classification: Uncertain significance. Last evaluated: 2024-03-04. Review status: criteria provided, single submitter. Criteria: Invitae Variant Classification Sherloc (09022015). Collection method: clinical testing. Allele origin: germline.
Comment: This sequence change replaces lysine, which is basic and polar, with glutamic acid, which is acidic and polar, at codon 109 of the XRCC2 protein (p.Lys109Glu). This variant is not present in population databases (gnomAD no frequency). This variant has not been reported in the literature in individuals affected with XRCC2-related conditions. ClinVar contains an entry for this variant (Variation ID: 1042878). Advanced modeling of protein sequence and biophysical properties (such as structural, functional, and spatial information, amino acid conservation, physicochemical variation, residue mobility, and thermodynamic stability) performed at Invitae indicates that this missense variant is not expected to disrupt XRCC2 protein function with a negative predictive value of 80%. In summary, the available evidence is currently insufficient to determine the role of this variant in disease. Therefore, it has been classified as a Variant of Uncertain Significance.

Ambry Genetics
Classification: Uncertain significance for Hereditary cancer-predisposing syndrome. Last evaluated: 2022-07-05. Review status: criteria provided, single submitter. Criteria: Ambry Variant Classification Scheme 2023. Collection method: clinical testing. Allele origin: germline.
Comment: The p.K109E variant (also known as c.325A>G), located in coding exon 3 of the XRCC2 gene, results from an A to G substitution at nucleotide position 325. The lysine at codon 109 is replaced by glutamic acid, an amino acid with similar properties. This amino acid position is conserved. In addition, the in silico prediction for this alteration is inconclusive. Since supporting evidence is limited at this time, the clinical significance of this alteration remains unclear.

NM_005431.2(XRCC2):c.325A>G (p.Lys109Glu)

Gene: XRCC2 (X-ray repair cross complementing 2; minus strand). Cytogenetic location: 7q36.1.
Variant type: single nucleotide variant.
Coding change: c.325A>G on transcript NM_005431.2 (MANE Select); coding-DNA position 325, A replaced by G.
Protein change: p.Lys109Glu; replaces lysine 109 with glutamic acid.
Molecular consequence: missense variant.
Genome position (GRCh38, 1-based): chr7:152,649,160, T>C on the plus strand (A>G on the coding strand, the complement: XRCC2 is on the minus strand). VCF-style: chr7-152649160-T-C. GRCh37 (hg19) VCF-style: chr7-152346245-T-C.
Other names: short protein forms K109E.
Identifiers: ClinVar variation 1042878 (VCV001042878.11), dbSNP rs2098027434, ClinGen allele CA370198948.